The following is an entry in ClinVar:

NM_004036.5(ADCY3):c.-3A>C

Gene: ADCY3 (adenylate cyclase 3; minus strand). Cytogenetic location: 2p23.3.
Variant type: single nucleotide variant.
Coding change: c.-3A>C on transcript NM_004036.5 (MANE Select); 3 bases upstream of the start codon, A replaced by C.
Molecular consequence: 5 prime UTR variant.
Genome position (GRCh38, 1-based): chr2:24,918,990, T>G on the plus strand (A>C on the coding strand, the complement: ADCY3 is on the minus strand). VCF-style: chr2-24918990-T-G. GRCh37 (hg19) VCF-style: chr2-25141859-T-G.
Other names: c.-3A>C (NM_001320613.2, NM_001377128.1, NM_001377129.1 and 2 more transcripts).
Identifiers: ClinVar variation 4999510 (VCV004999510.1).

ClinVar aggregate classification (germline): Likely benign (1 of 4 stars; one submission).

Conditions:
ADCY3-related disorder. Also called: ADCY3-related condition.

Submission:

PreventionGenetics, part of Exact Sciences
Classification: Likely benign for ADCY3-related condition. Last evaluated: 2025-02-05. Review status: criteria provided, single submitter. Criteria: ACMG Guidelines, 2015. Collection method: clinical testing. Allele origin: germline.
Comment: This variant is classified as likely benign based on ACMG/AMP sequence variant interpretation guidelines (Richards et al. 2015 PMID: 25741868, with internal and published modifications).